The following is an entry in ClinVar:

ClinVar aggregate classification (germline): Benign/Likely benign. Review status: criteria provided, multiple submitters, no conflicts (2 of 4 stars). 4 submissions from 4 submitters: Benign (1); Likely benign (3). Last evaluated 2025-07-29.

Conditions:
Kabuki syndrome. Also called: Kabuki make-up syndrome; NIIKAWA-KUROKI SYNDROME. Identifiers: Orphanet 2322, MedGen C0796004, MONDO:0016512.
KMT2D-related disorder. Also called: KMT2D-Related Disorders.

Allele frequency attached by ClinVar (database versions not stated): gnomAD exomes below 0.00001 and 0.00002; gnomAD 0.00001; TOPMed 0.00002.
gnomAD v4.1: 7 of 1,603,322 alleles (0.00044%); highest among the groups gnomAD compares: African/African-American, 0.0013%; no homozygotes.

Submissions (4):

Women's Health and Genetics/Laboratory Corporation of America, LabCorp
Classification: Likely benign. Last evaluated: 2025-07-29. Review status: criteria provided, single submitter. Criteria: LabCorp Variant Classification Summary - May 2015. Collection method: clinical testing. Allele origin: germline.

Labcorp Genetics (formerly Invitae), Labcorp
Classification: Benign for Kabuki syndrome. Last evaluated: 2025-07-21. Review status: criteria provided, single submitter. Criteria: Invitae Variant Classification Sherloc (09022015). Collection method: clinical testing. Allele origin: germline.

PreventionGenetics, part of Exact Sciences
Classification: Likely benign for KMT2D-related condition. Last evaluated: 2024-10-28. Review status: criteria provided, single submitter. Criteria: ACMG Guidelines, 2015. Collection method: clinical testing. Allele origin: germline.
Comment: This variant is classified as likely benign based on ACMG/AMP sequence variant interpretation guidelines (Richards et al. 2015 PMID: 25741868, with internal and published modifications).

GeneDx
Classification: Likely benign. Last evaluated: 2021-03-29. Review status: criteria provided, single submitter. Criteria: GeneDx Variant Classification Process June 2021. Collection method: clinical testing. Allele origin: germline. Affected: yes.

NM_003482.4(KMT2D):c.2112C>T (p.Asp704=)

Gene: KMT2D (lysine methyltransferase 2D; minus strand). Cytogenetic location: 12q13.12.
Variant type: single nucleotide variant.
Coding change: c.2112C>T on transcript NM_003482.4 (MANE Select); coding-DNA position 2112, C replaced by T.
Protein change: p.Asp704=; no amino-acid change (aspartic acid 704 retained).
Molecular consequence: synonymous variant.
Genome position (GRCh38, 1-based): chr12:49,051,571, G>A on the plus strand (C>T on the coding strand, the complement: KMT2D is on the minus strand). VCF-style: chr12-49051571-G-A. GRCh37 (hg19) VCF-style: chr12-49445354-G-A.
Identifiers: ClinVar variation 1177946 (VCV001177946.9), dbSNP rs1231395599, ClinGen allele CA479714645.